The following is an entry in ClinVar:

ClinVar aggregate classification (germline): Likely pathogenic (1 of 4 stars; one submission).

Conditions:
Congenital myotonia, autosomal dominant form (THD). Also called: THOMSEN DISEASE; Myotonia congenita autosomal dominant. Identifiers: Orphanet 614, MedGen C2936781, MONDO:0008055, OMIM 160800.
Congenital myotonia, autosomal recessive form. Also called: BECKER DISEASE; Becker Generalized Myotonia; myotonia congenita, autosomal recessive. Identifiers: Orphanet 614, MedGen C0751360, MONDO:0009715, OMIM 255700.

gnomAD v4.1: 1 of 1,613,640 alleles (0.000062%); highest among the groups gnomAD compares: Non-Finnish European, 0.000085%; no homozygotes.

Submission:

Labcorp Genetics (formerly Invitae), Labcorp
Classification: Likely pathogenic for Congenital myotonia, autosomal recessive form; Congenital myotonia, autosomal dominant form. Last evaluated: 2025-08-03. Review status: criteria provided, single submitter. Criteria: Invitae Variant Classification Sherloc (09022015). Collection method: clinical testing. Allele origin: germline.
Comment: This sequence change affects a donor splice site in intron 2 of the CLCN1 gene. It is expected to disrupt RNA splicing. Variants that disrupt the donor or acceptor splice site typically lead to a loss of protein function (PMID: 16199547), and loss-of-function variants in CLCN1 are known to be pathogenic (PMID: 17932099, 22094069, 23739125). This variant is not present in population databases (gnomAD no frequency). This variant has not been reported in the literature in individuals affected with CLCN1-related conditions. Algorithms developed to predict the effect of sequence changes on RNA splicing suggest that this variant may disrupt the consensus splice site. In summary, the currently available evidence indicates that the variant is pathogenic, but additional data are needed to prove that conclusively. Therefore, this variant has been classified as Likely Pathogenic.

Literature cited by the submitters: PubMed 16199547; PubMed 17932099; PubMed 22094069; PubMed 23739125.

NM_000083.3(CLCN1):c.301+2T>G

Gene: CLCN1 (chloride voltage-gated channel 1; plus strand). Cytogenetic location: 7q34.
Variant type: single nucleotide variant.
Coding change: c.301+2T>G on transcript NM_000083.3 (MANE Select); the canonical splice donor site of the intron after coding-DNA position 301, T replaced by G.
Molecular consequence: splice donor variant.
Genome position (GRCh38, 1-based): chr7:143,319,877, T>G. VCF-style: chr7-143319877-T-G. GRCh37 (hg19) VCF-style: chr7-143016970-T-G.
Identifiers: ClinVar variation 4785775 (VCV004785775.1).